The following is an entry in ClinVar:

NM_004006.3(DMD):c.4318G>A (p.Val1440Ile)

Gene: DMD (dystrophin; minus strand). Cytogenetic location: Xp21.1.
Variant type: single nucleotide variant.
Coding change: c.4318G>A on transcript NM_004006.3 (MANE Select); coding-DNA position 4318, G replaced by A.
Protein change: p.Val1440Ile; replaces valine 1440 with isoleucine.
Molecular consequence: missense variant.
Genome position (GRCh38, 1-based): chrX:32,390,097, C>T on the plus strand (G>A on the coding strand, the complement: DMD is on the minus strand). VCF-style: chrX-32390097-C-T. GRCh37 (hg19) VCF-style: chrX-32408214-C-T.
Other names: c.4294G>A, p.Val1432Ile (NM_000109.4); c.4306G>A, p.Val1436Ile (NM_004009.3); c.3949G>A, p.Val1317Ile (NM_004010.3); c.295G>A, p.Val99Ile (NM_004011.4); c.286G>A, p.Val96Ile (NM_004012.4); short protein forms V1436I, V1317I, V1440I, V96I, V1432I, V99I.
Identifiers: ClinVar variation 2067375 (VCV002067375.4), dbSNP rs779852446, ClinGen allele CA10378989.
Genomic context (GRCh38, chrX:32,390,097, plus strand): 5'-AAACACGTTCCTTAGTTTCTGAAATAACATATACCTGTGCAACATCAATCTGAGACAGGA[C>T]TCTTTGGGCAGCCTCCTTCCCCTGATTATGTTTCTTCATTTCTTCTAAACTGATCTCATG-3'
Protein context (NP_003997.2, residues 1430-1450): HNQGKEAAQR[Val1440Ile]LSQIDVAQKK

ClinVar aggregate classification (germline): Uncertain significance (1 of 4 stars; one submission).

Conditions:
Duchenne muscular dystrophy (DMD). Also called: MUSCULAR DYSTROPHY, PSEUDOHYPERTROPHIC PROGRESSIVE, DUCHENNE TYPE; Duchenne Muscular Dystrophy (DMD). Identifiers: Orphanet 98896, MedGen C0013264, MONDO:0010679, OMIM 310200.

Allele frequency attached by ClinVar (database versions not stated): ExAC 0.00001; gnomAD 0.00001.
gnomAD v4.1: 1 of 1,206,926 alleles (0.000083%); highest among the groups gnomAD compares: Non-Finnish European, 0.00011%; no homozygotes.

Submission:

Labcorp Genetics (formerly Invitae), Labcorp
Classification: Uncertain significance for Duchenne muscular dystrophy. Last evaluated: 2023-08-23. Review status: criteria provided, single submitter. Criteria: Invitae Variant Classification Sherloc (09022015). Collection method: clinical testing. Allele origin: germline.
Comment: In summary, the available evidence is currently insufficient to determine the role of this variant in disease. Therefore, it has been classified as a Variant of Uncertain Significance. This variant has not been reported in the literature in individuals affected with DMD-related conditions. This sequence change replaces valine, which is neutral and non-polar, with isoleucine, which is neutral and non-polar, at codon 1440 of the DMD protein (p.Val1440Ile). This variant is present in population databases (rs779852446, gnomAD 0.001%). ClinVar contains an entry for this variant (Variation ID: 2067375). Advanced modeling of protein sequence and biophysical properties (such as structural, functional, and spatial information, amino acid conservation, physicochemical variation, residue mobility, and thermodynamic stability) performed at Invitae indicates that this missense variant is not expected to disrupt DMD protein function.